The following is an entry in ClinVar:

NM_001111125.3(IQSEC2):c.3599A>G (p.Asn1200Ser)

Gene: IQSEC2 (IQ motif and Sec7 domain ArfGEF 2; minus strand). Cytogenetic location: Xp11.22.
Variant type: single nucleotide variant.
Coding change: c.3599A>G on transcript NM_001111125.3 (MANE Select); coding-DNA position 3599, A replaced by G.
Protein change: p.Asn1200Ser; replaces asparagine 1200 with serine.
Molecular consequence: missense variant. On other transcripts: 3 prime UTR variant (1).
Genome position (GRCh38, 1-based): chrX:53,235,087, T>C on the plus strand (A>G on the coding strand, the complement: IQSEC2 is on the minus strand). VCF-style: chrX-53235087-T-C. GRCh37 (hg19) VCF-style: chrX-53264269-T-C.
Other names: c.*84A>G (NM_001410736.1, NM_015075.2); short protein forms N1200S.
Identifiers: ClinVar variation 1721762 (VCV001721762.6), dbSNP rs2519675131, ClinGen allele CA413142132.

ClinVar aggregate classification (germline): Uncertain significance (1 of 4 stars; one submission).

Conditions:
Intellectual developmental disorder, X-linked 1. Also called: MENTAL RETARDATION, X-LINKED 18; MENTAL RETARDATION, X-LINKED 78; Intellectual disability, X-linked 1; Atkin Flaitz Patil Smith syndrome. Identifiers: Orphanet 777, MedGen C2931498, MONDO:0010656, OMIM 309530.

Submission:

Labcorp Genetics (formerly Invitae), Labcorp
Classification: Uncertain significance for Intellectual developmental disorder, X-linked 1. Last evaluated: 2024-08-05. Review status: criteria provided, single submitter. Criteria: Invitae Variant Classification Sherloc (09022015). Collection method: clinical testing. Allele origin: germline.
Comment: This sequence change replaces asparagine, which is neutral and polar, with serine, which is neutral and polar, at codon 1200 of the IQSEC2 protein (p.Asn1200Ser). This variant is not present in population databases (gnomAD no frequency). This variant has not been reported in the literature in individuals affected with IQSEC2-related conditions. ClinVar contains an entry for this variant (Variation ID: 1721762). Advanced modeling of protein sequence and biophysical properties (such as structural, functional, and spatial information, amino acid conservation, physicochemical variation, residue mobility, and thermodynamic stability) performed at Invitae indicates that this missense variant is not expected to disrupt IQSEC2 protein function with a negative predictive value of 95%. In summary, the available evidence is currently insufficient to determine the role of this variant in disease. Therefore, it has been classified as a Variant of Uncertain Significance.